The following is an entry in ClinVar:

NM_001378615.1(CC2D2A):c.5A>G (p.Asn2Ser)

Genes: CC2D2A (coiled-coil and C2 domain containing 2A; plus strand), FBXL5 (F-box and leucine rich repeat protein 5; minus strand). Cytogenetic location: 4p15.32.
Variant type: single nucleotide variant.
Coding change: c.5A>G on transcript NM_001378615.1 (MANE Select); coding-DNA position 5, A replaced by G.
Protein change: p.Asn2Ser; replaces asparagine 2 with serine.
Molecular consequence: missense variant.
Genome position (GRCh38, 1-based): chr4:15,475,937, A>G. VCF-style: chr4-15475937-A-G. GRCh37 (hg19) VCF-style: chr4-15477561-A-G.
Other names: c.5A>G, p.Asn2Ser (NM_001080522.2, NM_001164720.3, NM_020785.2); short protein forms N2S.
Identifiers: ClinVar variation 1990970 (VCV001990970.2), dbSNP rs1210307395, ClinGen allele CA356406961.

ClinVar aggregate classification (germline): Uncertain significance. Review status: criteria provided, multiple submitters, no conflicts (2 of 4 stars). 2 submissions from 2 submitters: Uncertain significance (2). Last evaluated 2024-05-07.

Conditions:
Retinitis pigmentosa 93. Identifiers: MedGen C5676970, MONDO:0030797, OMIM 619845.
COACH syndrome 2. Identifiers: MedGen C5436837, MONDO:0030859, OMIM 619111.
Meckel syndrome, type 6. Identifiers: Orphanet 564, MedGen C2676790, MONDO:0012848, OMIM 612284.
Joubert syndrome 9 (JBTS9). Identifiers: Orphanet 2318, MedGen C2676788, MONDO:0012849, OMIM 612285.
Joubert syndrome. Also called: Familial aplasia of the vermis; JOUBERT-BOLTSHAUSER SYNDROME. Identifiers: Orphanet 475, MedGen C5979921, MONDO:0018772.
Meckel-Gruber syndrome. Also called: Dysencephalia splachnocystica; DYSENCEPHALIA SPLANCHNOCYSTICA; GRUBER SYNDROME. Identifiers: Orphanet 564, MedGen C0265215, MONDO:0018921.

Allele frequency attached by ClinVar (database versions not stated): gnomAD exomes below 0.00001; TOPMed below 0.00001.
gnomAD v4.1: 2 of 1,588,256 alleles (0.00013%); highest among the groups gnomAD compares: Admixed American, 0.0018%; no homozygotes.

Submissions (2):

Fulgent Genetics
Classification: Uncertain significance for Meckel syndrome, type 6; Joubert syndrome 9; COACH syndrome 2; Retinitis pigmentosa 93. Last evaluated: 2024-05-07. Review status: criteria provided, single submitter. Criteria: ACMG Guidelines, 2015. Collection method: clinical testing. Allele origin: germline.

Labcorp Genetics (formerly Invitae), Labcorp
Classification: Uncertain significance for Joubert syndrome; Meckel-Gruber syndrome. Last evaluated: 2022-07-29. Review status: criteria provided, single submitter. Criteria: Invitae Variant Classification Sherloc (09022015). Collection method: clinical testing. Allele origin: germline.
Comment: This sequence change replaces asparagine, which is neutral and polar, with serine, which is neutral and polar, at codon 2 of the CC2D2A protein (p.Asn2Ser). The frequency data for this variant in the population databases is considered unreliable, as metrics indicate poor data quality at this position in the gnomAD database. This variant has not been reported in the literature in individuals affected with CC2D2A-related conditions. Advanced modeling of protein sequence and biophysical properties (such as structural, functional, and spatial information, amino acid conservation, physicochemical variation, residue mobility, and thermodynamic stability) performed at Invitae indicates that this missense variant is not expected to disrupt CC2D2A protein function. In summary, the available evidence is currently insufficient to determine the role of this variant in disease. Therefore, it has been classified as a Variant of Uncertain Significance.